The following is an entry in ClinVar:

ClinVar aggregate classification (germline): Uncertain significance (1 of 4 stars; one submission).

Conditions:
Atrioventricular septal defect 5 (AVSD5). Identifiers: MedGen C3280939, MONDO:0013769, OMIM 614474.

Submission:

Labcorp Genetics (formerly Invitae), Labcorp
Classification: Uncertain significance for Atrioventricular septal defect 5. Last evaluated: 2024-03-18. Review status: criteria provided, single submitter. Criteria: Invitae Variant Classification Sherloc (09022015). Collection method: clinical testing. Allele origin: germline.
Comment: This sequence change replaces alanine, which is neutral and non-polar, with proline, which is neutral and non-polar, at codon 219 of the GATA6 protein (p.Ala219Pro). This variant is not present in population databases (gnomAD no frequency). This variant has not been reported in the literature in individuals affected with GATA6-related conditions. Advanced modeling of protein sequence and biophysical properties (such as structural, functional, and spatial information, amino acid conservation, physicochemical variation, residue mobility, and thermodynamic stability) performed at Invitae indicates that this missense variant is not expected to disrupt GATA6 protein function with a negative predictive value of 80%. In summary, the available evidence is currently insufficient to determine the role of this variant in disease. Therefore, it has been classified as a Variant of Uncertain Significance.

NM_005257.6(GATA6):c.655G>C (p.Ala219Pro)

Gene: GATA6 (GATA binding protein 6; plus strand). Cytogenetic location: 18q11.2.
Variant type: single nucleotide variant.
Coding change: c.655G>C on transcript NM_005257.6 (MANE Select); coding-DNA position 655, G replaced by C.
Protein change: p.Ala219Pro; replaces alanine 219 with proline.
Molecular consequence: missense variant.
Genome position (GRCh38, 1-based): chr18:22,171,799, G>C. VCF-style: chr18-22171799-G-C. GRCh37 (hg19) VCF-style: chr18-19751760-G-C.
Other names: short protein forms A219P.
Identifiers: ClinVar variation 3707907 (VCV003707907.2).
Genomic context (GRCh38, chr18:22,171,799, plus strand): 5'-CCCGGCCTACCGTACCACCTGCAGGGGTCGGGCAGTGGGCCAGCCAACCACGCGGGCGGC[G>C]CGGGCGCGCACCCCGGCTGGCCTCAGGCCTCGGCCGACAGCCCTCCATACGGCAGCGGAG-3'
Protein context (NP_005248.2, residues 209-229): GSGPANHAGG[Ala219Pro]GAHPGWPQAS